The following is an entry in ClinVar:

NM_004629.2(FANCG):c.736G>T (p.Val246Phe)

Gene: FANCG (FA complementation group G; minus strand). Cytogenetic location: 9p13.3.
Variant type: single nucleotide variant.
Coding change: c.736G>T on transcript NM_004629.2 (MANE Select); coding-DNA position 736, G replaced by T.
Protein change: p.Val246Phe; replaces valine 246 with phenylalanine.
Molecular consequence: missense variant.
Genome position (GRCh38, 1-based): chr9:35,077,012, C>A on the plus strand (G>T on the coding strand, the complement: FANCG is on the minus strand). VCF-style: chr9-35077012-C-A. GRCh37 (hg19) VCF-style: chr9-35077009-C-A.
Other names: short protein forms V246F.
Identifiers: ClinVar variation 2637968 (VCV002637968.4), dbSNP rs1829097759, ClinGen allele CA373313514.

ClinVar aggregate classification (germline): Uncertain significance. Review status: criteria provided, multiple submitters, no conflicts (2 of 4 stars). 3 submissions from 3 submitters: Uncertain significance (3). Last evaluated 2025-04-18.

Conditions:
Inborn genetic diseases. Identifiers: MedGen C0950123, MeSH D030342.
Fanconi anemia complementation group G. Also called: Fanconi anemia group G; FANCG-Related Fanconi Anemia. Identifiers: Orphanet 84, MedGen C3469527, MONDO:0013565, OMIM 614082.
Fanconi anemia (FA). Also called: Fanconi's anemia. Identifiers: Orphanet 84, MedGen C0015625, MeSH D005199, MONDO:0019391.

Submissions (3):

Ambry Genetics
Classification: Uncertain significance for Inborn genetic diseases. Last evaluated: 2025-04-18. Review status: criteria provided, single submitter. Criteria: Ambry Variant Classification Scheme 2023. Collection method: clinical testing. Allele origin: germline.
Comment: The p.V246F variant (also known as c.736G>T), located in coding exon 6 of the FANCG gene, results from a G to T substitution at nucleotide position 736. The valine at codon 246 is replaced by phenylalanine, an amino acid with highly similar properties. This amino acid position is conserved. In addition, the in silico prediction for this alteration is inconclusive. Based on the available evidence, the clinical significance of this variant remains unclear.

Labcorp Genetics (formerly Invitae), Labcorp
Classification: Uncertain significance for Fanconi anemia. Last evaluated: 2024-06-08. Review status: criteria provided, single submitter. Criteria: Invitae Variant Classification Sherloc (09022015). Collection method: clinical testing. Allele origin: germline.
Comment: This sequence change replaces valine, which is neutral and non-polar, with phenylalanine, which is neutral and non-polar, at codon 246 of the FANCG protein (p.Val246Phe). This variant is not present in population databases (gnomAD no frequency). This variant has not been reported in the literature in individuals affected with FANCG-related conditions. ClinVar contains an entry for this variant (Variation ID: 2637968). Advanced modeling of protein sequence and biophysical properties (such as structural, functional, and spatial information, amino acid conservation, physicochemical variation, residue mobility, and thermodynamic stability) has been performed at Invitae for this missense variant, however the output from this modeling did not meet the statistical confidence thresholds required to predict the impact of this variant on FANCG protein function. In summary, the available evidence is currently insufficient to determine the role of this variant in disease. Therefore, it has been classified as a Variant of Uncertain Significance.

Illumina Laboratory Services, Illumina
Classification: Uncertain significance for Fanconi anemia complementation group G. Last evaluated: 2023-08-09. Review status: criteria provided, single submitter. Criteria: ICSLVariantClassificationCriteria RUGD 01 April 2020. Collection method: clinical testing. Allele origin: unknown.
Comment: The FANCG c.736G>T (p.Val246Phe) missense variant has not, to our knowledge, been reported in the peer-reviewed literature. It is not observed in version 2.1.1 or version 3.1.2 of the Genome Aggregation Database. The c.736G>T variant was detected in trans with a variant of uncertain significance. Based on the available evidence, the c.736G>T variant is classified as a variant of uncertain significance for Fanconi anemia.